The following is an entry in ClinVar:

NM_002519.3(NPAT):c.3719C>G (p.Ser1240Cys)

Gene: NPAT (nuclear protein, coactivator of histone transcription; minus strand). Cytogenetic location: 11q22.3.
Variant type: single nucleotide variant.
Coding change: c.3719C>G on transcript NM_002519.3 (MANE Select); coding-DNA position 3719, C replaced by G.
Protein change: p.Ser1240Cys; replaces serine 1240 with cysteine.
Molecular consequence: missense variant.
Genome position (GRCh38, 1-based): chr11:108,161,367, G>C on the plus strand (C>G on the coding strand, the complement: NPAT is on the minus strand). VCF-style: chr11-108161367-G-C. GRCh37 (hg19) VCF-style: chr11-108032094-G-C.
Other names: c.3740C>G, p.Ser1247Cys (NM_001321307.1); short protein forms S1240C, S1247C.
Identifiers: ClinVar variation 2758862 (VCV002758862.3), dbSNP rs919965832, ClinGen allele CA382510196.

ClinVar aggregate classification (germline): Uncertain significance (1 of 4 stars; one submission).

Submission:

Labcorp Genetics (formerly Invitae), Labcorp
Classification: Uncertain significance. Last evaluated: 2023-09-08. Review status: criteria provided, single submitter. Criteria: Invitae Variant Classification Sherloc (09022015). Collection method: clinical testing. Allele origin: germline.
Comment: In summary, the available evidence is currently insufficient to determine the role of this variant in disease. Therefore, it has been classified as a Variant of Uncertain Significance. Algorithms developed to predict the effect of missense changes on protein structure and function output the following: SIFT: "Not Available"; PolyPhen-2: "Benign"; Align-GVGD: "Not Available". The cysteine amino acid residue is found in multiple mammalian species, which suggests that this missense change does not adversely affect protein function. This variant has not been reported in the literature in individuals affected with NPAT-related conditions. This sequence change replaces serine, which is neutral and polar, with cysteine, which is neutral and slightly polar, at codon 1240 of the NPAT protein (p.Ser1240Cys). This variant is not present in population databases (gnomAD no frequency).